The following is an entry in ClinVar:

NM_016121.5(KCTD3):c.648G>A (p.Trp216Ter)

Gene: KCTD3 (potassium channel tetramerization domain containing 3; plus strand). Cytogenetic location: 1q41.
Variant type: single nucleotide variant.
Coding change: c.648G>A on transcript NM_016121.5 (MANE Select); coding-DNA position 648, G replaced by A.
Protein change: p.Trp216Ter; replaces tryptophan 216 with a stop codon.
Molecular consequence: nonsense.
Genome position (GRCh38, 1-based): chr1:215,586,516, G>A. VCF-style: chr1-215586516-G-A. GRCh37 (hg19) VCF-style: chr1-215759859-G-A.
Other names: c.648G>A, p.Trp216Ter (NM_001319294.2); c.342G>A, p.Trp114Ter (NM_001319295.2); short protein forms W216*, W114*.
Identifiers: ClinVar variation 2303343 (VCV002303343.2), dbSNP rs2464577479, ClinGen allele CA344905784.

ClinVar aggregate classification (germline): Pathogenic (1 of 4 stars; one submission).

Conditions:
Inborn genetic diseases. Identifiers: MedGen C0950123, MeSH D030342.

Submission:

Ambry Genetics
Classification: Pathogenic for Inborn genetic diseases. Last evaluated: 2022-08-08. Review status: criteria provided, single submitter. Criteria: Ambry Variant Classification Scheme 2023. Collection method: clinical testing. Allele origin: germline.
Comment: The c.648G>A (p.W216*) alteration, located in exon 9 (coding exon 9) of the KCTD3 gene, consists of a G to A substitution at nucleotide position 648. This changes the amino acid from a tryptophan (W) to a stop codon at amino acid position 216. This alteration is expected to result in loss of function by premature protein truncation or nonsense-mediated mRNA decay. This variant was not reported in population-based cohorts in the Genome Aggregation Database (gnomAD). Based on the available evidence, this alteration is classified as pathogenic.